The following is an entry in ClinVar:

ClinVar aggregate classification (germline): Likely benign. Review status: criteria provided, single submitter (1 of 4 stars). 2 submissions from 2 submitters: Likely benign (1). 1 of the submissions does not count toward it. Last evaluated 2023-05-05.

Conditions:
REST-related disorder. Also called: REST-related condition.

Allele frequency attached by ClinVar (database versions not stated): gnomAD exomes 0.00002; gnomAD 0.00003; ExAC 0.00007.
gnomAD v4.1: 40 of 1,603,722 alleles (0.0025%); highest among the groups gnomAD compares: South Asian, 0.041%; 3 homozygotes.

Submissions (2):

Labcorp Genetics (formerly Invitae), Labcorp
Classification: Likely benign. Last evaluated: 2023-05-05. Review status: criteria provided, single submitter. Criteria: Invitae Variant Classification Sherloc (09022015). Collection method: clinical testing. Allele origin: germline.

PreventionGenetics, part of Exact Sciences
Classification: Likely benign for REST-related condition. Last evaluated: 2019-06-20. Review status: no assertion criteria provided. Collection method: clinical testing. Allele origin: germline. Not counted in ClinVar's aggregate classification.
Comment: This variant is classified as likely benign based on ACMG/AMP sequence variant interpretation guidelines (Richards et al. 2015 PMID: 25741868, with internal and published modifications).

NM_005612.5(REST):c.1869G>A (p.Lys623=)

Gene: REST (RE1 silencing transcription factor; plus strand). Cytogenetic location: 4q12.
Variant type: single nucleotide variant.
Coding change: c.1869G>A on transcript NM_005612.5 (MANE Select); coding-DNA position 1869, G replaced by A.
Protein change: p.Lys623=; no amino-acid change (lysine 623 retained).
Molecular consequence: synonymous variant.
Genome position (GRCh38, 1-based): chr4:56,930,727, G>A. VCF-style: chr4-56930727-G-A. GRCh37 (hg19) VCF-style: chr4-57796893-G-A.
Other names: c.1869G>A, p.Lys623= (NM_001193508.2, NM_001363453.3).
Identifiers: ClinVar variation 2885711 (VCV002885711.5), dbSNP rs751337138, ClinGen allele CA2932335.